The following is an entry in ClinVar:

NM_000218.3(KCNQ1):c.1514+23316G>A

Genes: KCNQ1 (potassium voltage-gated channel subfamily Q member 1; plus strand), KCNQ1OT1 (KCNQ1 opposite strand/antisense transcript 1; minus strand). Cytogenetic location: 11p15.5.
Variant type: single nucleotide variant.
Coding change: c.1514+23316G>A on transcript NM_000218.3 (MANE Select); 23316 bases into the intron after coding-DNA position 1514, G replaced by A.
Molecular consequence: intron variant. On other transcripts: non-coding transcript variant (1).
Genome position (GRCh38, 1-based): chr11:2,685,397, G>A. VCF-style: chr11-2685397-G-A. GRCh37 (hg19) VCF-style: chr11-2706627-G-A.
Other names: c.1244+23316G>A (NM_001406837.1); c.1418+23316G>A (NM_001406836.1); c.974+23316G>A (NM_001406838.1); c.1133+23316G>A (NM_181798.2).
Identifiers: ClinVar variation 4084899 (VCV004084899.8).

ClinVar aggregate classification (germline): Likely benign (1 of 4 stars; one submission).

gnomAD v4.1: 480 of 398,684 alleles (0.12%); highest among the groups gnomAD compares: African/African-American, 0.91%; 1 homozygote.

Submission:

CeGaT Center for Human Genetics Tuebingen
Classification: Likely benign. Last evaluated: 2026-09-01. Review status: criteria provided, single submitter. Criteria: CeGaT Center For Human Genetics Tuebingen Variant Classification Criteria Version 2. Collection method: clinical testing. Allele origin: germline. Affected: yes. Observed: 2 variant alleles.
Comment: KCNQ1OT1: BS1